The following is an entry in ClinVar:

ClinVar aggregate classification (germline): Pathogenic/Likely pathogenic. Review status: criteria provided, multiple submitters, no conflicts (2 of 4 stars). 8 submissions from 8 submitters: Pathogenic (2); Likely pathogenic (5). 1 of the submissions does not count toward it. Last evaluated 2026-01-27.

Conditions:
TTN-related disorder. Also called: TTN-related condition; TTN-related disease; TTN-related disorders.
Third degree atrioventricular block. Identifiers: MedGen C0151517, MONDO:0000468, HP:0001709.
Cardiovascular phenotype. Identifiers: MedGen CN230736.
Autosomal recessive limb-girdle muscular dystrophy type 2J (LGMDR10). Also called: Limb-girdle muscular dystrophy, type 2J; MUSCULAR DYSTROPHY, LIMB-GIRDLE, AUTOSOMAL RECESSIVE 10. Identifiers: Orphanet 140922, MedGen C1837342, MONDO:0012127, OMIM 608807.
Dilated cardiomyopathy 1G (CMD1G). Identifiers: Orphanet 154, MedGen C1858763, MONDO:0011400, OMIM 604145.
Primary dilated cardiomyopathy (DCM). Also called: Dilated Cardiomyopathy. Identifiers: Orphanet 217604, MedGen C0007193, MeSH D002311, MONDO:0005021, HP:0001644. Inheritance: Various modes of inheritance.

Allele frequency attached by ClinVar (database versions not stated): gnomAD exomes below 0.00001 and 0.00001; ExAC 0.00002.
gnomAD v4.1: 1 of 1,613,618 alleles (0.000062%); highest among the groups gnomAD compares: Non-Finnish European, 0.000085%; no homozygotes.

Submissions (8):

Petrovsky National Research Centre of Surgery, The Federal Agency for Scientific Organizations
Classification: Likely pathogenic for Primary dilated cardiomyopathy. Last evaluated: 2026-01-27. Review status: criteria provided, single submitter. Criteria: ACMG Guidelines, 2015. Collection method: clinical testing. Allele origin: germline. Affected: yes. Observed: 1 variant allele.
Comment: The variant is in The Genome Aggregation Database (gnomAD) v4.1.0 with total 6,197×10-7. (Date of access 2026-01-27). In accordance with ACMG (2015) criteria this variant is classified as Likely pathogenic with following criteria selected: PM2, PVS1_Strong, PS4_Supporting.

GeneDx
Classification: Pathogenic. Last evaluated: 2025-12-26. Review status: criteria provided, single submitter. Criteria: GeneDx Variant Classification Process June 2021. Collection method: clinical testing. Allele origin: germline. Affected: yes.
Comment: Nonsense variant predicted to result in protein truncation or nonsense mediated decay in a gene for which loss of function is a known mechanism of disease; Located in the A-band, a region of TTN for which truncating variants are significantly associated with autosomal dominant cardiomyopathy and also with autosomal recessive skeletal myopathies (PMID: 22335739, 32778822); Not observed at significant frequency in large population cohorts (gnomAD); This variant is associated with the following publications: (PMID: 34135346, 31251381, 22335739, 32778822, Rudaka2020[abstract], 35653365, 36264615, 37652022, 31983221, 36070930)

Labcorp Genetics (formerly Invitae), Labcorp
Classification: Likely pathogenic for Dilated cardiomyopathy 1G; Autosomal recessive limb-girdle muscular dystrophy type 2J. Last evaluated: 2025-10-18. Review status: criteria provided, single submitter. Criteria: Invitae Variant Classification Sherloc (09022015). Collection method: clinical testing. Allele origin: germline.
Comment: This sequence change creates a premature translational stop signal (p.Arg27414*) in the TTN gene. While this is not anticipated to result in nonsense mediated decay, it is expected to create a truncated TTN protein. This variant is present in population databases (rs766840243, gnomAD 0.007%). This premature translational stop signal has been observed in individual(s) with dilated cardiomyopathy (DCM) (PMID: 31251381, 31983221, 35653365). ClinVar contains an entry for this variant (Variation ID: 202415). This variant is located in the A band of TTN (PMID: 25589632). Truncating variants in this region are significantly overrepresented in patients affected with dilated cardiomyopathy (PMID: 25589632). Truncating variants in this region have also been reported in individuals affected with autosomal recessive centronuclear myopathy (PMID: 23975875). In summary, the currently available evidence indicates that the variant is pathogenic, but additional data are needed to prove that conclusively. Therefore, this variant has been classified as Likely Pathogenic.

Ambry Genetics
Classification: Likely pathogenic for Cardiovascular phenotype. Last evaluated: 2025-08-13. Review status: criteria provided, single submitter. Criteria: Ambry Variant Classification Scheme 2023. Collection method: clinical testing. Allele origin: germline.
Comment: The p.R18349* variant (also known as c.55045C>T), located in coding exon 153 of the TTN gene, results from a C to T substitution at nucleotide position 55045. This changes the amino acid from an arginine to a stop codon within coding exon 153. This exon is located in the A-band region of the N2-B isoform of the titin protein and is constitutively expressed in TTN transcripts (percent spliced in or PSI 100%). This variant (also referred to as NM_001267550.2:c.82240C>T, p.R27414*) was reported in individual(s) with features consistent with dilated cardiomyopathy (Mazzarotto F et al. Circulation, 2020 02;141:387-398; Stava TTet al. Eur J Prev Cardiol. 2022 Oct;29(13):1789-1799; Ambry internal data). This variant is expected to result in loss of function by premature protein truncation or nonsense-mediated mRNA decay. While truncating variants in TTN are present in 1-3% of the general population, truncating variants in the A-band are the most common cause of dilated cardiomyopathy (Herman DS et al. N. Engl. J. Med., 2012 Feb;366:619-28; Roberts AM et al. Sci Transl Med, 2015 Jan;7:270ra6). TTN truncating variants encoded in constitutive exons (PSI >90%) have been found to be significantly associated with DCM regardless of their position in titin (Schafer S et al. Nat. Genet., 2017 01;49:46-53; Akhtar MM et al. Circ Heart Fail, 2020 Oct;13:e006832; Massier M et al. Clin Genet, 2025 Jan). Based on the majority of available evidence to date, this variant is likely to be pathogenic.

Laboratory of Genetics, Children's Clinical University Hospital Latvia
Classification: Pathogenic. Last evaluated: 2025-02-16. Review status: criteria provided, single submitter. Criteria: ACMG Guidelines, 2015. Collection method: clinical testing. Allele origin: germline. Affected: yes.

CeGaT Center for Human Genetics Tuebingen
Classification: Likely pathogenic. Last evaluated: 2022-11-01. Review status: criteria provided, single submitter. Criteria: CeGaT Center For Human Genetics Tuebingen Variant Classification Criteria Version 2. Collection method: clinical testing. Allele origin: germline. Affected: yes. Observed: 1 variant allele.
Comment: TTN: PVS1, PS4:Supporting

Blueprint Genetics
Classification: Likely pathogenic for TTN-related disorders. Last evaluated: 2020-07-29. Review status: criteria provided, single submitter. Criteria: ACMG Guidelines, 2015. Collection method: clinical testing. Allele origin: germline. Affected: yes. Observed: 2 variant alleles.

Department of Legal Medicine, University of Toyama
Classification: Pathogenic for Third degree atrioventricular block. Last evaluated: 2022-05-06. Review status: no assertion criteria provided. Collection method: clinical testing. Allele origin: germline. Affected: yes. Not counted in ClinVar's aggregate classification.

Literature cited by the submitters: PubMed 31251381 (cited by Labcorp Genetics (formerly Invitae), Labcorp and Ambry Genetics); PubMed 31983221 (cited by Labcorp Genetics (formerly Invitae), Labcorp and Ambry Genetics); PubMed 35653365 (cited by Labcorp Genetics (formerly Invitae), Labcorp and Ambry Genetics); PubMed 25589632 (cited by Labcorp Genetics (formerly Invitae), Labcorp); PubMed 23975875 (cited by Labcorp Genetics (formerly Invitae), Labcorp).

NM_001267550.2(TTN):c.82240C>T (p.Arg27414Ter)

Genes: TTN (titin; minus strand), TTN-AS1 (TTN antisense RNA 1; plus strand). Cytogenetic location: 2q31.2.
Variant type: single nucleotide variant.
Coding change: c.82240C>T on transcript NM_001267550.2 (MANE Select); coding-DNA position 82240, C replaced by T.
Protein change: p.Arg27414Ter; replaces arginine 27414 with a stop codon.
Molecular consequence: nonsense.
Genome position (GRCh38, 1-based): chr2:178,563,892, G>A on the plus strand (C>T on the coding strand, the complement: TTN is on the minus strand). VCF-style: chr2-178563892-G-A. GRCh37 (hg19) VCF-style: chr2-179428619-G-A.
Other names: p.R25773*:CGA>TGA; c.82240C>T (LRG_391t1); c.77317C>T, p.Arg25773Ter (NM_001256850.1); c.55045C>T, p.Arg18349Ter (NM_003319.4); c.74536C>T, p.Arg24846Ter (NM_133378.4); c.55420C>T, p.Arg18474Ter (NM_133432.3); c.55621C>T, p.Arg18541Ter (NM_133437.4); short protein forms R25773*, R27414*, R18541*, R18349*, R18474*, R24846*.
Identifiers: ClinVar variation 202415 (VCV000202415.72), dbSNP rs766840243, ClinGen allele CA309342.
Genomic context (GRCh38, chr2:178,563,892, plus strand): 5'-GTTTAGTAACTTTGTAGTTAAGGGCCTGTACCTCAGTTGAAACCTGGGTCCAAGAGAGTC[G>A]GCTTGTCTCCCTCTTTTCAATGATGTAATGTGAAATATTAGCACCACCATCTTGCAAAGG-3'